The following is an entry in ClinVar:

NM_152761.3(CXorf58):c.657T>C (p.Tyr219=)

Gene: CXorf58 (chromosome X open reading frame 58; plus strand). Cytogenetic location: Xp22.11.
Variant type: single nucleotide variant.
Coding change: c.657T>C on transcript NM_152761.3 (MANE Select); coding-DNA position 657, T replaced by C.
Protein change: p.Tyr219=; no amino-acid change (tyrosine 219 retained).
Molecular consequence: synonymous variant.
Genome position (GRCh38, 1-based): chrX:23,935,297, T>C. VCF-style: chrX-23935297-T-C. GRCh37 (hg19) VCF-style: chrX-23953414-T-C.
Other names: c.657T>C, p.Tyr219= (NM_001169574.2).
Identifiers: ClinVar variation 2660174 (VCV002660174.24), dbSNP rs770343335, ClinGen allele CA10370383.

ClinVar aggregate classification (germline): Likely benign (1 of 4 stars; one submission).

Allele frequency attached by ClinVar (database versions not stated): gnomAD exomes 0.00001; ExAC 0.00002; TOPMed 0.00003; gnomAD 0.00006.
gnomAD v4.1: 35 of 1,205,841 alleles (0.0029%); highest among the groups gnomAD compares: African/African-American, 0.021%; no homozygotes.

Submission:

CeGaT Center for Human Genetics Tuebingen
Classification: Likely benign. Last evaluated: 2022-04-01. Review status: criteria provided, single submitter. Criteria: CeGaT Center For Human Genetics Tuebingen Variant Classification Criteria Version 2. Collection method: clinical testing. Allele origin: germline. Affected: yes. Observed: 1 variant allele.
Comment: CXorf58: BP4, BP7